The following is an entry in ClinVar:

ClinVar aggregate classification (germline): Uncertain significance (1 of 4 stars; one submission).

gnomAD v4.1: 1 of 1,614,222 alleles (0.000062%); highest among the groups gnomAD compares: Non-Finnish European, 0.000085%; no homozygotes.

Submission:

Labcorp Genetics (formerly Invitae), Labcorp
Classification: Uncertain significance. Last evaluated: 2022-09-27. Review status: criteria provided, single submitter. Criteria: Invitae Variant Classification Sherloc (09022015). Collection method: clinical testing. Allele origin: germline.
Comment: ClinVar contains an entry for this variant (Variation ID: 1682411). This variant has not been reported in the literature in individuals affected with KARS-related conditions. This variant is not present in population databases (gnomAD no frequency). This sequence change replaces aspartic acid, which is acidic and polar, with histidine, which is basic and polar, at codon 552 of the KARS protein (p.Asp552His). Algorithms developed to predict the effect of missense changes on protein structure and function (SIFT, PolyPhen-2, Align-GVGD) all suggest that this variant is likely to be disruptive. In summary, the available evidence is currently insufficient to determine the role of this variant in disease. Therefore, it has been classified as a Variant of Uncertain Significance.

NM_005548.3(KARS1):c.1570G>C (p.Asp524His)

Gene: KARS1 (lysyl-tRNA synthetase 1; minus strand). Cytogenetic location: 16q23.1.
Variant type: single nucleotide variant.
Coding change: c.1570G>C on transcript NM_005548.3 (MANE Select); coding-DNA position 1570, G replaced by C.
Protein change: p.Asp524His; replaces aspartic acid 524 with histidine.
Molecular consequence: missense variant.
Genome position (GRCh38, 1-based): chr16:75,628,694, C>G on the plus strand (G>C on the coding strand, the complement: KARS1 is on the minus strand). VCF-style: chr16-75628694-C-G. GRCh37 (hg19) VCF-style: chr16-75662592-C-G.
Other names: c.1654G>C, p.Asp552His (NM_001130089.2); c.1102G>C, p.Asp368His (NM_001378148.1); short protein forms D368H, D524H, D552H.
Identifiers: ClinVar variation 1682411 (VCV001682411.6), dbSNP rs1029146649, ClinGen allele CA284315977.